The following is an entry in ClinVar:

ClinVar aggregate classification (germline): Uncertain significance (0 of 4 stars; one submission).

Submission:

Martin Pollak Laboratory,  Beth Israel Deaconess Medical Center
Classification: Uncertain significance. Review status: no assertion criteria provided. Collection method: not provided. Allele origin: unknown.
Comment: Lower and higher UCa2+ groups
ClinVar note: Converted during submission from unknown to Uncertain significance.

NM_022911.3(SLC26A6):c.709C>A (p.Leu237Ile)

Gene: SLC26A6 (solute carrier family 26 member 6; minus strand). Cytogenetic location: 3p21.31.
Variant type: single nucleotide variant.
Coding change: c.709C>A on transcript NM_022911.3 (MANE Select); coding-DNA position 709, C replaced by A.
Protein change: p.Leu237Ile; replaces leucine 237 with isoleucine.
Molecular consequence: missense variant. On other transcripts: intron variant (1).
Genome position (GRCh38, 1-based): chr3:48,631,921, G>T on the plus strand (C>A on the coding strand, the complement: SLC26A6 is on the minus strand). VCF-style: chr3-48631921-G-T. GRCh37 (hg19) VCF-style: chr3-48669354-G-T.
Other names: c.646C>A, p.Leu216Ile (NM_001040454.1); c.605C>A, p.Pro202His (NM_001281732.2); c.709C>A, p.Leu237Ile (NM_134263.3, NM_134426.3); c.434-124C>A (NM_001281733.2); short protein forms L216I, L237I, P202H.
Identifiers: ClinVar variation 64458 (VCV000064458.2), dbSNP rs387907496, ClinGen allele CA216185.